The following is an entry in ClinVar:

ClinVar aggregate classification (germline): Uncertain significance (1 of 4 stars; one submission).

gnomAD v4.1: 2 of 1,613,892 alleles (0.00012%); no homozygotes.

Submission:

Women's Health and Genetics/Laboratory Corporation of America, LabCorp
Classification: Uncertain significance. Last evaluated: 2025-06-03. Review status: criteria provided, single submitter. Criteria: LabCorp Variant Classification Summary - May 2015. Collection method: clinical testing. Allele origin: germline.
Comment: Variant summary: CNTNAP2 c.131C>G (p.Pro44Arg) results in a non-conservative amino acid change in the encoded protein sequence. Algorithms developed to predict the effect of missense changes on protein structure and function are either unavailable or do not agree on the potential impact of this missense change. The variant was absent in 251306 control chromosomes. The available data on variant occurrences in the general population are insufficient to allow any conclusion about variant significance. To our knowledge, no occurrence of c.131C>G in individuals affected with Autism, Susceptibility To, 15 and no experimental evidence demonstrating its impact on protein function have been reported. No submitters have cited clinical-significance assessments for this variant to ClinVar. Based on the evidence outlined above, the variant was classified as uncertain significance.

NM_014141.6(CNTNAP2):c.131C>G (p.Pro44Arg)

Gene: CNTNAP2 (contactin associated protein 2; plus strand). Cytogenetic location: 7q35.
Variant type: single nucleotide variant.
Coding change: c.131C>G on transcript NM_014141.6 (MANE Select); coding-DNA position 131, C replaced by G.
Protein change: p.Pro44Arg; replaces proline 44 with arginine.
Molecular consequence: missense variant.
Genome position (GRCh38, 1-based): chr7:146,774,304, C>G. VCF-style: chr7-146774304-C-G. GRCh37 (hg19) VCF-style: chr7-146471396-C-G.
Other names: short protein forms P44R.
Identifiers: ClinVar variation 3907434 (VCV003907434.1).